The following is an entry in ClinVar:

ClinVar aggregate classification (germline): Pathogenic/Likely pathogenic. Review status: criteria provided, multiple submitters, no conflicts (2 of 4 stars). 4 submissions from 4 submitters: Pathogenic (2); Likely pathogenic (1). 1 of the submissions does not count toward it. Last evaluated 2026-05-19.

Conditions:
Polycystic kidney disease 4 (PKD4). Also called: POLYCYSTIC KIDNEY AND HEPATIC DISEASE 1; POLYCYSTIC KIDNEY DISEASE, INFANTILE, TYPE I; POLYCYSTIC KIDNEY DISEASE 4 WITH OR WITHOUT POLYCYSTIC LIVER DISEASE; PKD3; Autosomal Recessive Polycystic Kidney Disease – PKHD1. Identifiers: MedGen C4540575, MONDO:0033004, OMIM 263200.
Autosomal recessive polycystic kidney disease (ARPKD). Also called: AR polycystic kidney disease. Identifiers: Orphanet 731, Orphanet 8378, MedGen C0085548, MeSH D017044, MONDO:0009889.

Submissions (4):

Women's Health and Genetics/Laboratory Corporation of America, LabCorp
Classification: Pathogenic for Autosomal recessive polycystic kidney disease. Last evaluated: 2026-05-19. Review status: criteria provided, single submitter. Criteria: LabCorp Variant Classification Summary - May 2015. Collection method: clinical testing. Allele origin: germline.
Comment: Variant summary: PKHD1 c.4_7delACTG (p.Thr2ProfsX3) results in a premature termination codon, predicted to cause a truncation of the encoded protein or absence of the protein due to nonsense mediated decay, which are commonly known mechanisms for disease. The variant was absent in 251332 control chromosomes. c.4_7delACTG has been observed in at least one individual affected with polycystic kidney disease (Chen_2024). This report does not provide unequivocal conclusions about association of the variant with disease. To our knowledge, no experimental evidence demonstrating an impact on protein function has been reported. The following publication has been ascertained in the context of this evaluation (PMID: 38224954). ClinVar contains an entry for this variant (Variation ID: 371371). Based on the evidence outlined above, the variant was classified as pathogenic.

Natera, Inc.
Classification: Likely pathogenic for Autosomal recessive polycystic kidney disease. Last evaluated: 2025-06-02. Review status: criteria provided, single submitter. Criteria: Natera Variant Classification Schema (03/2026). Collection method: clinical testing. Allele origin: germline.
Comment: The c.4_7del variant in PKHD1 is a frameshift variant predicted to shift the reading frame beginning at codon 2 and leads to a stop codon 3 codons downstream. This variant is expected to result in nonsense mediated decay, truncation, or a dysfunctional protein product. This variant is rare in the general population with a frequency below the threshold expected for the associated phenotype(s). Given the available evidence, this variant is classified as Likely Pathogenic.

Labcorp Genetics (formerly Invitae), Labcorp
Classification: Pathogenic for Autosomal recessive polycystic kidney disease. Last evaluated: 2023-12-09. Review status: criteria provided, single submitter. Criteria: Invitae Variant Classification Sherloc (09022015). Collection method: clinical testing. Allele origin: germline.
Comment: This sequence change creates a premature translational stop signal (p.Thr2Profs*3) in the PKHD1 gene. It is expected to result in an absent or disrupted protein product. Loss-of-function variants in PKHD1 are known to be pathogenic (PMID: 19940839). This variant is not present in population databases (gnomAD no frequency). This variant has not been reported in the literature in individuals affected with PKHD1-related conditions. ClinVar contains an entry for this variant (Variation ID: 371371). For these reasons, this variant has been classified as Pathogenic.

Counsyl
Classification: Likely pathogenic for Polycystic kidney disease 4. Last evaluated: 2016-09-07. Review status: no assertion criteria provided. Collection method: clinical testing. Allele origin: unknown. Not counted in ClinVar's aggregate classification.

Literature cited by the submitters: PubMed 38224954 (cited by Women's Health and Genetics/Laboratory Corporation of America, LabCorp); PubMed 19940839 (cited by Labcorp Genetics (formerly Invitae), Labcorp).

NM_138694.4(PKHD1):c.4_7del (p.Thr2fs)

Gene: PKHD1 (PKHD1 ciliary IPT domain containing fibrocystin/polyductin; minus strand). Cytogenetic location: 6p12.2.
Variant type: Deletion.
Coding change: c.4_7del on transcript NM_138694.4 (MANE Select); coding-DNA positions 4 to 7, 4 bases deleted (ACTG; older notation c.4_7delACTG).
Protein change: p.Thr2fs; shifts the reading frame from threonine 2.
Molecular consequence: frameshift variant, initiator codon variant.
Genome position (GRCh38, 1-based): chr6:52,084,927-52,084,930, CAGT deleted on the plus strand (ACTG on the coding strand, the reverse complement: PKHD1 is on the minus strand); deleting any 4 consecutive bases within chr6:52,084,927-52,084,932 gives the same sequence; the c. name uses the placement nearest the transcript's 3' end. VCF-style (leftmost placement, unchanged base first): chr6-52084926-GCAGT-G. GRCh37 (hg19) VCF-style: chr6-51949724-GCAGT-G.
Other names: c.4_7delACTG (NM_138694.3, NM_138694.4); c.4_7del, p.Thr2fs (NM_170724.3); short protein forms T2fs.
Identifiers: ClinVar variation 371371 (VCV000371371.9), dbSNP rs1057517220, ClinGen allele CA16041075.
Genomic context (GRCh38, chr6:52,084,926, plus strand): 5'-AACACATTCTACTGACCTGCCAAAAGTAGTACTTCAATACTCATCAGAGAGATCAGCCAG[GCAGT>G]CATTCTGTCCACTTAAATCAATACTCTTAAGATTGCTCAGACATTAAAAGCATTTTCAGT-3'